The following is an entry in ClinVar:

NM_022089.4(ATP13A2):c.1688G>A (p.Arg563Gln)

Gene: ATP13A2 (ATPase cation transporting 13A2; minus strand). Cytogenetic location: 1p36.13.
Variant type: single nucleotide variant.
Coding change: c.1688G>A on transcript NM_022089.4 (MANE Select); coding-DNA position 1688, G replaced by A.
Protein change: p.Arg563Gln; replaces arginine 563 with glutamine.
Molecular consequence: missense variant.
Genome position (GRCh38, 1-based): chr1:16,993,690, C>T on the plus strand (G>A on the coding strand, the complement: ATP13A2 is on the minus strand). VCF-style: chr1-16993690-C-T. GRCh37 (hg19) VCF-style: chr1-17320185-C-T.
Other names: c.1673G>A, p.Arg558Gln (NM_001141973.3, NM_001141974.3); short protein forms R558Q, R563Q.
Identifiers: ClinVar variation 772495 (VCV000772495.11), dbSNP rs541385523, ClinGen allele CA637121.

ClinVar aggregate classification (germline): Conflicting classifications of pathogenicity. Review status: criteria provided, conflicting classifications (1 of 4 stars). 2 submissions from 2 submitters: Uncertain significance (1); Likely benign (1). Last evaluated 2026-01-30.

Conditions:
Inborn genetic diseases. Identifiers: MedGen C0950123, MeSH D030342.
Autosomal recessive spastic paraplegia type 78. Identifiers: Orphanet 513436, MedGen C5567893, MONDO:0014975, OMIM 617225.
Kufor-Rakeb syndrome (KRS). Also called: PARKINSON DISEASE 9, AUTOSOMAL RECESSIVE, JUVENILE-ONSET. Identifiers: Orphanet 306674, Orphanet 314632, MedGen C1847640, MONDO:0011706, OMIM 606693.

Allele frequency attached by ClinVar (database versions not stated): gnomAD 0.00003 and 0.00015; TOPMed 0.00004; ExAC 0.00100; 1000 Genomes Project 30x 0.00109; 1000 Genomes Project 0.00120.
gnomAD v4.1: 351 of 1,596,402 alleles (0.022%); highest among the groups gnomAD compares: South Asian, 0.36%; 4 homozygotes.

Submissions (2):

Labcorp Genetics (formerly Invitae), Labcorp
Classification: Likely benign for Kufor-Rakeb syndrome; Autosomal recessive spastic paraplegia type 78. Last evaluated: 2026-01-30. Review status: criteria provided, single submitter. Criteria: Invitae Variant Classification Sherloc (09022015). Collection method: clinical testing. Allele origin: germline.

Ambry Genetics
Classification: Uncertain significance for Inborn genetic diseases. Last evaluated: 2019-02-09. Review status: criteria provided, single submitter. Criteria: Ambry Variant Classification Scheme 2023. Collection method: clinical testing. Allele origin: germline.
Comment: The p.R563Q variant (also known as c.1688G>A), located in coding exon 16 of the ATP13A2 gene, results from a G to A substitution at nucleotide position 1688. The arginine at codon 563 is replaced by glutamine, an amino acid with highly similar properties. This amino acid position is poorly conserved in available vertebrate species. In addition, this alteration is predicted to be tolerated by in silico analysis. Since supporting evidence is limited at this time, the clinical significance of this alteration remains unclear.